The following is an entry in ClinVar:

NM_032043.3(BRIP1):c.1817_1818dup (p.Val607fs)

Gene: BRIP1 (BRCA1 interacting DNA helicase 1; minus strand). Cytogenetic location: 17q23.2.
Variant type: Duplication.
Coding change: c.1817_1818dup on transcript NM_032043.3 (MANE Select); coding-DNA positions 1817 to 1818, 2 bases duplicated (AA; older notation c.1817_1818dupAA).
Protein change: p.Val607fs; shifts the reading frame from valine 607.
Molecular consequence: frameshift variant.
Genome position (GRCh38, 1-based): chr17:61,780,378-61,780,379, TT duplicated on the plus strand (AA on the coding strand, the reverse complement: BRIP1 is on the minus strand); duplicating any 2 consecutive bases within chr17:61,780,378-61,780,380 gives the same sequence; the c. name uses the placement nearest the transcript's 3' end. VCF-style (leftmost placement, unchanged base first): chr17-61780377-C-CTT. GRCh37 (hg19) VCF-style: chr17-59857738-C-CTT.
Other names: short protein forms V607fs.
Identifiers: ClinVar variation 5042215 (VCV005042215.1).

ClinVar aggregate classification (germline): Pathogenic (1 of 4 stars; one submission).

Conditions:
Familial ovarian cancer. Identifiers: MedGen C5679802, MONDO:0016248.

Submission:

Myriad Genetics, Inc.
Classification: Pathogenic for Familial ovarian cancer. Last evaluated: 2026-07-21. Review status: criteria provided, single submitter. Criteria: Myriad Autosomal Dominant, Autosomal Recessive and X-Linked Classification Criteria (2023). Collection method: clinical testing. Allele origin: unknown.
Comment: This variant is considered pathogenic. This variant creates a frameshift predicted to result in premature protein truncation.